The following is an entry in ClinVar:

NM_003098.3(SNTA1):c.1385G>A (p.Ser462Asn)

Gene: SNTA1 (syntrophin alpha 1; minus strand). Cytogenetic location: 20q11.21.
Variant type: single nucleotide variant.
Coding change: c.1385G>A on transcript NM_003098.3 (MANE Select); coding-DNA position 1385, G replaced by A.
Protein change: p.Ser462Asn; replaces serine 462 with asparagine.
Molecular consequence: missense variant.
Genome position (GRCh38, 1-based): chr20:33,408,741, C>T on the plus strand (G>A on the coding strand, the complement: SNTA1 is on the minus strand). VCF-style: chr20-33408741-C-T. GRCh37 (hg19) VCF-style: chr20-31996547-C-T.
Other names: c.1385G>A, p.Ser462Asn (NM_001424413.1); c.1417G>A, p.Val473Ile (NM_001424414.1); short protein forms S462N, V473I.
Identifiers: ClinVar variation 3694569 (VCV003694569.2).

ClinVar aggregate classification (germline): Uncertain significance (1 of 4 stars; one submission).

Conditions:
Long QT syndrome (LQTS). Identifiers: MedGen C0023976, MeSH D008133, MONDO:0002442. Disease mechanism: loss of function. Inheritance: Various modes of inheritance.

gnomAD v4.1: 2 of 1,614,198 alleles (0.00012%); highest among the groups gnomAD compares: Non-Finnish European, 0.00017%; no homozygotes.

Submission:

Labcorp Genetics (formerly Invitae), Labcorp
Classification: Uncertain significance for Long QT syndrome. Last evaluated: 2024-04-15. Review status: criteria provided, single submitter. Criteria: Invitae Variant Classification Sherloc (09022015). Collection method: clinical testing. Allele origin: germline.
Comment: This sequence change replaces serine, which is neutral and polar, with asparagine, which is neutral and polar, at codon 462 of the SNTA1 protein (p.Ser462Asn). This variant is not present in population databases (gnomAD no frequency). This variant has not been reported in the literature in individuals affected with SNTA1-related conditions. Advanced modeling of protein sequence and biophysical properties (such as structural, functional, and spatial information, amino acid conservation, physicochemical variation, residue mobility, and thermodynamic stability) performed at Invitae indicates that this missense variant is not expected to disrupt SNTA1 protein function with a negative predictive value of 80%. In summary, the available evidence is currently insufficient to determine the role of this variant in disease. Therefore, it has been classified as a Variant of Uncertain Significance.